The following is an entry in ClinVar:

ClinVar aggregate classification (germline): Likely benign (0 of 4 stars; one submission).

Conditions:
CAPN12-related disorder. Also called: CAPN12-related condition.

Allele frequency attached by ClinVar (database versions not stated): ESP Exome Variant Server 0.00034; ExAC 0.00046; 1000 Genomes Project 0.00060; 1000 Genomes Project 30x 0.00062; TOPMed 0.00150.
gnomAD v4.1: 1,432 of 1,510,498 alleles (0.095%); highest among the groups gnomAD compares: Admixed American, 0.16%; 3 homozygotes.

Submission:

PreventionGenetics, part of Exact Sciences
Classification: Likely benign for CAPN12-related condition. Last evaluated: 2019-05-09. Review status: no assertion criteria provided. Collection method: clinical testing. Allele origin: germline.
Comment: This variant is classified as likely benign based on ACMG/AMP sequence variant interpretation guidelines (Richards et al. 2015 PMID: 25741868, with internal and published modifications).

NM_144691.4(CAPN12):c.1560C>T (p.Phe520=)

Gene: CAPN12 (calpain 12; minus strand). Cytogenetic location: 19q13.2.
Variant type: single nucleotide variant.
Coding change: c.1560C>T on transcript NM_144691.4 (MANE Select); coding-DNA position 1560, C replaced by T.
Protein change: p.Phe520=; no amino-acid change (phenylalanine 520 retained).
Molecular consequence: synonymous variant.
Genome position (GRCh38, 1-based): chr19:38,736,133, G>A on the plus strand (C>T on the coding strand, the complement: CAPN12 is on the minus strand). VCF-style: chr19-38736133-G-A. GRCh37 (hg19) VCF-style: chr19-39226773-G-A.
Identifiers: ClinVar variation 3041269 (VCV003041269.2), dbSNP rs373743240, ClinGen allele CA9418693.